The following is an entry in ClinVar:

ClinVar aggregate classification (germline): Uncertain significance. Review status: criteria provided, multiple submitters, no conflicts (2 of 4 stars). 3 submissions from 3 submitters: Uncertain significance (3). Last evaluated 2026-08-28.

Conditions:
CNGA3-related disorder. Also called: CNGA3-related condition.

Allele frequency attached by ClinVar (database versions not stated): gnomAD exomes 0.00002 and 0.00004; TOPMed 0.00003; gnomAD 0.00004; ExAC 0.00006; ESP Exome Variant Server 0.00015.
gnomAD v4.1: 32 of 1,613,868 alleles (0.002%); highest among the groups gnomAD compares: Admixed American, 0.0083%; no homozygotes.

Submissions (3):

PreventionGenetics, part of Exact Sciences
Classification: Uncertain significance for CNGA3-related condition. Last evaluated: 2026-08-28. Review status: criteria provided, single submitter. Criteria: ACMG Guidelines, 2015. Collection method: clinical testing. Allele origin: germline.
Comment: The CNGA3 c.1427C>T variant is predicted to result in the amino acid substitution p.Thr476Met. To our knowledge, this variant has not been reported in the literature. This variant is reported in 0.0065% of alleles in individuals of South Asian descent in gnomAD. At this time, the clinical significance of this variant is uncertain due to the absence of conclusive functional and genetic evidence.

Blueprint Genetics
Classification: Uncertain significance. Last evaluated: 2024-09-30. Review status: criteria provided, single submitter. Criteria: ACMG Guidelines, 2015. Collection method: clinical testing. Allele origin: germline.

Labcorp Genetics (formerly Invitae), Labcorp
Classification: Uncertain significance. Last evaluated: 2022-08-09. Review status: criteria provided, single submitter. Criteria: Invitae Variant Classification Sherloc (09022015). Collection method: clinical testing. Allele origin: germline.
Comment: This sequence change replaces threonine, which is neutral and polar, with methionine, which is neutral and non-polar, at codon 476 of the CNGA3 protein (p.Thr476Met). This variant is present in population databases (rs376034278, gnomAD 0.006%). This variant has not been reported in the literature in individuals affected with CNGA3-related conditions. ClinVar contains an entry for this variant (Variation ID: 854219). Advanced modeling of protein sequence and biophysical properties (such as structural, functional, and spatial information, amino acid conservation, physicochemical variation, residue mobility, and thermodynamic stability) performed at Invitae indicates that this missense variant is expected to disrupt CNGA3 protein function. In summary, the available evidence is currently insufficient to determine the role of this variant in disease. Therefore, it has been classified as a Variant of Uncertain Significance.

NM_001298.3(CNGA3):c.1427C>T (p.Thr476Met)

Gene: CNGA3 (cyclic nucleotide gated channel subunit alpha 3; plus strand). Cytogenetic location: 2q11.2.
Variant type: single nucleotide variant.
Coding change: c.1427C>T on transcript NM_001298.3 (MANE Select); coding-DNA position 1427, C replaced by T.
Protein change: p.Thr476Met; replaces threonine 476 with methionine.
Molecular consequence: missense variant.
Genome position (GRCh38, 1-based): chr2:98,396,597, C>T. VCF-style: chr2-98396597-C-T. GRCh37 (hg19) VCF-style: chr2-99013060-C-T.
Other names: c.1373C>T, p.Thr458Met (NM_001079878.2); short protein forms T458M, T476M.
Identifiers: ClinVar variation 854219 (VCV000854219.9), dbSNP rs376034278, ClinGen allele CA1794007.
Genomic context (GRCh38, chr2:98,396,597, plus strand): 5'-TGCTCAAGAGCCTCCCAGACAAGCTGAAGGCTGAGATCGCCATCAACGTGCACCTGGACA[C>T]GCTGAAGAAGGTTCGCATCTTCCAGGACTGTGAGGCAGGGCTGCTGGTGGAGCTGGTGCT-3'
Protein context (NP_001289.1, residues 466-486): AEIAINVHLD[Thr476Met]LKKVRIFQDC